The following is an entry in ClinVar:

ClinVar aggregate classification (germline): Uncertain significance. Review status: criteria provided, multiple submitters, no conflicts (2 of 4 stars). 3 submissions from 3 submitters: Uncertain significance (3). Last evaluated 2025-10-22.

Conditions:
Cardiovascular phenotype. Identifiers: MedGen CN230736.
Cardiac arrhythmia. Also called: Arrhythmia; Cardiac rhythm disease. Identifiers: MedGen C0003811, MONDO:0007263, HP:0011675.
Long QT syndrome (LQTS). Identifiers: MedGen C0023976, MeSH D008133, MONDO:0002442. Disease mechanism: loss of function. Inheritance: Various modes of inheritance.

Submissions (3):

Ambry Genetics
Classification: Uncertain significance for Cardiovascular phenotype. Last evaluated: 2025-10-22. Review status: criteria provided, single submitter. Criteria: Ambry Variant Classification Scheme 2023. Collection method: clinical testing. Allele origin: germline.
Comment: The p.I330M variant (also known as c.990T>G), located in coding exon 5 of the KCNH2 gene, results from a T to G substitution at nucleotide position 990. The isoleucine at codon 330 is replaced by methionine, an amino acid with highly similar properties. This amino acid position is well conserved in available vertebrate species. In addition, the in silico prediction for this alteration is inconclusive. Based on the available evidence, the clinical significance of this variant remains unclear.

Color Diagnostics, LLC DBA Color Health
Classification: Uncertain significance for Cardiac arrhythmia. Last evaluated: 2025-06-09. Review status: criteria provided, single submitter. Criteria: ACMG Guidelines, 2015. Collection method: clinical testing. Allele origin: germline.
Comment: This missense variant replaces isoleucine with methionine at codon 330 of the KCNH2 protein. Computational prediction is inconclusive regarding the impact of this variant on protein structure and function. To our knowledge, functional studies have not been reported for this variant. This variant has not been reported in individuals affected with KCNH2-related disorders in the literature. This variant has not been identified in the general population by the Genome Aggregation Database (gnomAD). The available evidence is insufficient to determine the role of this variant in disease conclusively. Therefore, this variant is classified as a Variant of Uncertain Significance.

Labcorp Genetics (formerly Invitae), Labcorp
Classification: Uncertain significance for Long QT syndrome. Last evaluated: 2024-10-09. Review status: criteria provided, single submitter. Criteria: Invitae Variant Classification Sherloc (09022015). Collection method: clinical testing. Allele origin: germline.
Comment: This sequence change replaces isoleucine, which is neutral and non-polar, with methionine, which is neutral and non-polar, at codon 330 of the KCNH2 protein (p.Ile330Met). This variant is not present in population databases (gnomAD no frequency). This variant has not been reported in the literature in individuals affected with KCNH2-related conditions. An algorithm developed to predict the effect of missense changes on protein structure and function (PolyPhen-2) suggests that this variant is likely to be disruptive. In summary, the available evidence is currently insufficient to determine the role of this variant in disease. Therefore, it has been classified as a Variant of Uncertain Significance.

NM_000238.4(KCNH2):c.990T>G (p.Ile330Met)

Gene: KCNH2 (potassium voltage-gated channel subfamily H member 2; minus strand). Cytogenetic location: 7q36.1.
Variant type: single nucleotide variant.
Coding change: c.990T>G on transcript NM_000238.4 (MANE Select); coding-DNA position 990, T replaced by G.
Protein change: p.Ile330Met; replaces isoleucine 330 with methionine.
Molecular consequence: missense variant. On other transcripts: non-coding transcript variant (1).
Genome position (GRCh38, 1-based): chr7:150,957,429, A>C on the plus strand (T>G on the coding strand, the complement: KCNH2 is on the minus strand). VCF-style: chr7-150957429-A-C. GRCh37 (hg19) VCF-style: chr7-150654517-A-C.
Other names: c.702T>G, p.Ile234Met (NM_001406753.1, NM_001406756.1); c.813T>G, p.Ile271Met (NM_001406755.1); c.690T>G, p.Ile230Met (NM_001406757.1); c.990T>G, p.Ile330Met (NM_172056.3); short protein forms I271M, I330M, I230M, I234M.
Identifiers: ClinVar variation 2903588 (VCV002903588.4), dbSNP rs748711437, ClinGen allele CA369861703.
Genomic context (GRCh38, chr7:150,957,429, plus strand): 5'-AGCCAAGAAGGGGTCGCCCTTGAGGTCCACAAAGTTGAGGGTGATTTGGGGAATCTTGCT[A>C]ATGGTGCGGTAGCGCACGAGGTCGGAGTCCGAGGTGGAGTTGAGCAAGCCGCTGCGCAGT-3'
Protein context (NP_000229.1, residues 320-340): SDSDLVRYRT[Ile330Met]SKIPQITLNF